The following is an entry in ClinVar:

ClinVar aggregate classification (germline): Conflicting classifications of pathogenicity. Review status: criteria provided, conflicting classifications (1 of 4 stars). 2 submissions from 2 submitters: Uncertain significance (1); Benign (1). Last evaluated 2026-03-25.

Allele frequency attached by ClinVar (database versions not stated): gnomAD exomes 0.00001; ExAC 0.00002; ESP Exome Variant Server 0.00008; TOPMed 0.00013; gnomAD 0.00015.
gnomAD v4.1: 44 of 1,613,226 alleles (0.0027%); highest among the groups gnomAD compares: African/African-American, 0.053%; no homozygotes.

Submissions (2):

GeneDx
Classification: Uncertain significance. Last evaluated: 2026-03-25. Review status: criteria provided, single submitter. Criteria: GeneDx Variant Classification Process June 2021. Collection method: clinical testing. Allele origin: germline.
Comment: Has not been previously published as pathogenic or benign in association with ABCA1-related disorder to our knowledge; In silico analysis supports that this missense variant does not alter protein structure/function; This variant is associated with the following publications: (PMID: 25215231, 30519876)

Labcorp Genetics (formerly Invitae), Labcorp
Classification: Benign. Last evaluated: 2025-12-23. Review status: criteria provided, single submitter. Criteria: Invitae Variant Classification Sherloc (09022015). Collection method: clinical testing. Allele origin: germline.

NM_005502.4(ABCA1):c.319T>G (p.Ser107Ala)

Gene: ABCA1 (ATP binding cassette subfamily A member 1; minus strand). Cytogenetic location: 9q31.1.
Variant type: single nucleotide variant.
Coding change: c.319T>G on transcript NM_005502.4 (MANE Select); coding-DNA position 319, T replaced by G.
Protein change: p.Ser107Ala; replaces serine 107 with alanine.
Molecular consequence: missense variant.
Genome position (GRCh38, 1-based): chr9:104,883,141, A>C on the plus strand (T>G on the coding strand, the complement: ABCA1 is on the minus strand). VCF-style: chr9-104883141-A-C. GRCh37 (hg19) VCF-style: chr9-107645422-A-C.
Other names: c.319T>G (NM_005502.3); short protein forms S107A.
Identifiers: ClinVar variation 2045463 (VCV002045463.6), dbSNP rs376321182, ClinGen allele CA5169427.